The following is an entry in ClinVar:

ClinVar aggregate classification (germline): Pathogenic (1 of 4 stars; one submission).

Conditions:
Marfan syndrome (MFS). Also called: MARFAN SYNDROME, TYPE I; Marfan syndrome type 1; Marfan's syndrome; Marfan syndrome, classic; FBN1-Related Marfan Syndrome. Identifiers: Orphanet 284963, Orphanet 558, MedGen C0024796, MONDO:0007947, OMIM 154700.
Familial thoracic aortic aneurysm and aortic dissection (TAAD). Also called: Thoracic aortic aneurysms and dissections. Identifiers: Orphanet 91387, MedGen C4707243, MONDO:0019625.

Submission:

Labcorp Genetics (formerly Invitae), Labcorp
Classification: Pathogenic for Marfan syndrome; Familial thoracic aortic aneurysm and aortic dissection. Last evaluated: 2024-04-01. Review status: criteria provided, single submitter. Criteria: Invitae Variant Classification Sherloc (09022015). Collection method: clinical testing. Allele origin: germline.
Comment: This sequence change creates a premature translational stop signal (p.Glu682*) in the FBN1 gene. It is expected to result in an absent or disrupted protein product. Loss-of-function variants in FBN1 are known to be pathogenic (PMID: 17657824, 19293843). This variant is not present in population databases (gnomAD no frequency). This variant has not been reported in the literature in individuals affected with FBN1-related conditions. Algorithms developed to predict the effect of sequence changes on RNA splicing suggest that this variant may disrupt the consensus splice site. For these reasons, this variant has been classified as Pathogenic.

Literature cited by the submitters: PubMed 17657824; PubMed 19293843.

NM_000138.5(FBN1):c.2044G>T (p.Glu682Ter)

Gene: FBN1 (fibrillin 1; minus strand). Cytogenetic location: 15q21.1.
Variant type: single nucleotide variant.
Coding change: c.2044G>T on transcript NM_000138.5 (MANE Select); coding-DNA position 2044, G replaced by T.
Protein change: p.Glu682Ter; replaces glutamic acid 682 with a stop codon.
Molecular consequence: nonsense.
Genome position (GRCh38, 1-based): chr15:48,503,856, C>A on the plus strand (G>T on the coding strand, the complement: FBN1 is on the minus strand). VCF-style: chr15-48503856-C-A. GRCh37 (hg19) VCF-style: chr15-48796053-C-A.
Other names: c.2044G>T, p.Glu682Ter (NM_001406716.1); short protein forms E682*.
Identifiers: ClinVar variation 3755615 (VCV003755615.2).
Genomic context (GRCh38, chr15:48,503,856, plus strand): 5'-GTGCAGGACACGGCTGGCAAGGTTCCCCAAATGCATACTCAGTGCTGGCGCAACAGCATT[C>A]AGATTTAGTGACAGCACCAAACAAAGGTTTGATACACTGGCCTCTCTTGTATCCACCATA-3'